The following is an entry in ClinVar:

ClinVar aggregate classification (germline): Pathogenic. Review status: criteria provided, single submitter (1 of 4 stars). 3 submissions from 3 submitters: Pathogenic (1). 2 of the submissions do not count toward it. Last evaluated 2023-12-05.

Conditions:
Ataxia-telangiectasia syndrome (AT). Also called: LOUIS-BAR SYNDROME; Ataxia-telangiectasia, complementation group E; Ataxia-telangiectasia, complementation group D; AT, COMPLEMENTATION GROUP C; ATAXIA-TELANGIECTASIA, COMPLEMENTATION GROUP A; ATAXIA-TELANGIECTASIA, FRESNO VARIANT. Identifiers: Orphanet 100, MedGen C0004135, MONDO:0008840, OMIM 208900.
Gastric cancer. Also called: Malignant tumor of stomach; Stomach cancer. Identifiers: MedGen C0024623, MeSH D013274, MONDO:0001056, OMIM 613659, HP:0012126.

Submissions (3):

Labcorp Genetics (formerly Invitae), Labcorp
Classification: Pathogenic for Ataxia-telangiectasia syndrome. Last evaluated: 2023-12-05. Review status: criteria provided, single submitter. Criteria: Invitae Variant Classification Sherloc (09022015). Collection method: clinical testing. Allele origin: germline.
Comment: This sequence change creates a premature translational stop signal (p.Tyr959*) in the ATM gene. It is expected to result in an absent or disrupted protein product. Loss-of-function variants in ATM are known to be pathogenic (PMID: 23807571, 25614872). This variant is not present in population databases (gnomAD no frequency). This premature translational stop signal has been observed in individual(s) with ataxia telangiectasia (PMID: 22006793). ClinVar contains an entry for this variant (Variation ID: 371414). For these reasons, this variant has been classified as Pathogenic.

Laboratory for Genotyping Development, RIKEN
Classification: Pathogenic for Gastric cancer. Last evaluated: 2021-07-01. Review status: no assertion criteria provided. Collection method: research. Allele origin: germline. Not counted in ClinVar's aggregate classification.

Counsyl
Classification: Likely pathogenic for Ataxia-telangiectasia syndrome. Last evaluated: 2016-09-19. Review status: no assertion criteria provided. Collection method: clinical testing. Allele origin: unknown. Not counted in ClinVar's aggregate classification.

Literature cited by the submitters: PubMed 23807571 (cited by Labcorp Genetics (formerly Invitae), Labcorp); PubMed 25614872 (cited by Labcorp Genetics (formerly Invitae), Labcorp); PubMed 22006793 (cited by Labcorp Genetics (formerly Invitae), Labcorp and Counsyl); PubMed 36988593 (cited by Laboratory for Genotyping Development, RIKEN).

NM_000051.4(ATM):c.2877C>G (p.Tyr959Ter)

Gene: ATM (ATM serine/threonine kinase; plus strand). Cytogenetic location: 11q22.3.
Variant type: single nucleotide variant.
Coding change: c.2877C>G on transcript NM_000051.4 (MANE Select); coding-DNA position 2877, C replaced by G.
Protein change: p.Tyr959Ter; replaces tyrosine 959 with a stop codon.
Molecular consequence: nonsense.
Genome position (GRCh38, 1-based): chr11:108,271,102, C>G. VCF-style: chr11-108271102-C-G. GRCh37 (hg19) VCF-style: chr11-108141829-C-G.
Other names: c.2877C>G, p.Tyr959Ter (NM_001351834.2); short protein forms Y959*.
Identifiers: ClinVar variation 371414 (VCV000371414.23), dbSNP rs1057517253, ClinGen allele CA16041395.